The following is an entry in ClinVar:

NM_032578.4(MYPN):c.1042G>A (p.Gly348Arg)

Gene: MYPN (myopalladin; plus strand). Cytogenetic location: 10q21.3.
Variant type: single nucleotide variant.
Coding change: c.1042G>A on transcript NM_032578.4 (MANE Select); coding-DNA position 1042, G replaced by A.
Protein change: p.Gly348Arg; replaces glycine 348 with arginine.
Molecular consequence: missense variant. On other transcripts: non-coding transcript variant (2).
Genome position (GRCh38, 1-based): chr10:68,143,079, G>A. VCF-style: chr10-68143079-G-A. GRCh37 (hg19) VCF-style: chr10-69902836-G-A.
Other names: c.1042G>A, p.Gly348Arg (NM_001256267.2); c.160G>A, p.Gly54Arg (NM_001256268.2); short protein forms G54R, G348R.
Identifiers: ClinVar variation 1774543 (VCV001774543.2), dbSNP rs1317319579, ClinGen allele CA376829421.

ClinVar aggregate classification (germline): Uncertain significance (1 of 4 stars; one submission).

Conditions:
Cardiovascular phenotype. Identifiers: MedGen CN230736.

Allele frequency attached by ClinVar (database versions not stated): gnomAD exomes below 0.00001.

Submission:

Ambry Genetics
Classification: Uncertain significance for Cardiovascular phenotype. Last evaluated: 2023-09-22. Review status: criteria provided, single submitter. Criteria: Ambry Variant Classification Scheme 2023. Collection method: clinical testing. Allele origin: germline.
Comment: The p.G348R variant (also known as c.1042G>A), located in coding exon 2 of the MYPN gene, results from a G to A substitution at nucleotide position 1042. The glycine at codon 348 is replaced by arginine, an amino acid with dissimilar properties. This amino acid position is highly conserved in available vertebrate species. In addition, this alteration is predicted to be deleterious by in silico analysis. Since supporting evidence is limited at this time, the clinical significance of this alteration remains unclear.